The following is an entry in ClinVar:

ClinVar aggregate classification (germline): Uncertain significance. Review status: criteria provided, multiple submitters, no conflicts (2 of 4 stars). 2 submissions from 2 submitters: Uncertain significance (2). Last evaluated 2026-01-22.

Conditions:
Hereditary spastic paraplegia 11. Also called: Spastic paraplegia, mental retardation and thin corpus callosum; SPASTIC PARAPLEGIA, AUTOSOMAL RECESSIVE, COMPLICATED, WITH THIN CORPUS CALLOSUM; SPASTIC PARAPLEGIA, AUTOSOMAL RECESSIVE, WITH MENTAL IMPAIRMENT AND THIN CORPUS CALLOSUM; Nakamura Osame syndrome; Autosomal recessive hereditary spastic paraplegia, mental impairment, and thin corpus callosum; Spastic Paraplegia 11. Identifiers: Orphanet 2822, MedGen C1858479, MONDO:0011445, OMIM 604360.

Allele frequency attached by ClinVar (database versions not stated): gnomAD 0.00001; gnomAD exomes 0.00001; TOPMed 0.00002.

Submissions (2):

GeneDx
Classification: Uncertain significance. Last evaluated: 2026-01-22. Review status: criteria provided, single submitter. Criteria: GeneDx Variant Classification Process June 2021. Collection method: clinical testing. Allele origin: germline.
Comment: Not observed at significant frequency in large population cohorts (gnomAD); In silico analysis suggests that this missense variant does not alter protein structure/function; Has not been previously published as pathogenic or benign to our knowledge

Labcorp Genetics (formerly Invitae), Labcorp
Classification: Uncertain significance for Hereditary spastic paraplegia 11. Last evaluated: 2021-08-27. Review status: criteria provided, single submitter. Criteria: Invitae Variant Classification Sherloc (09022015). Collection method: clinical testing. Allele origin: germline.
Comment: This sequence change replaces tryptophan with cysteine at codon 1457 of the SPG11 protein (p.Trp1457Cys). The tryptophan residue is moderately conserved and there is a large physicochemical difference between tryptophan and cysteine. This variant is not present in population databases (ExAC no frequency). This variant has not been reported in the literature in individuals affected with SPG11-related conditions. Algorithms developed to predict the effect of missense changes on protein structure and function are either unavailable or do not agree on the potential impact of this missense change (SIFT: "Tolerated"; PolyPhen-2: "Probably Damaging"; Align-GVGD: "Class C0"). In summary, the available evidence is currently insufficient to determine the role of this variant in disease. Therefore, it has been classified as a Variant of Uncertain Significance.

NM_025137.4(SPG11):c.4371G>C (p.Trp1457Cys)

Gene: SPG11 (SPG11 vesicle trafficking associated, spatacsin; minus strand). Cytogenetic location: 15q21.1.
Variant type: single nucleotide variant.
Coding change: c.4371G>C on transcript NM_025137.4 (MANE Select); coding-DNA position 4371, G replaced by C.
Protein change: p.Trp1457Cys; replaces tryptophan 1457 with cysteine.
Molecular consequence: missense variant.
Genome position (GRCh38, 1-based): chr15:44,596,146, C>G on the plus strand (G>C on the coding strand, the complement: SPG11 is on the minus strand). VCF-style: chr15-44596146-C-G. GRCh37 (hg19) VCF-style: chr15-44888344-C-G.
Other names: c.4371G>C, p.Trp1457Cys (NM_001160227.2); short protein forms W1457C.
Identifiers: ClinVar variation 858958 (VCV000858958.9), dbSNP rs886819382, ClinGen allele CA270091554.
Genomic context (GRCh38, chr15:44,596,146, plus strand): 5'-GAGACATGAGGCCAGAACACTGAGGATAGGGGCCTGTTGTTTCACTGCTTCAACCAGAAG[C>G]CAGTGCCAGGAGTCTGGCTCCTCTGAGCATTGGAGCAGAATTTCAAATAAATCGGTCATC-3'
Protein context (NP_079413.3, residues 1447-1467): QCSEEPDSWH[Trp1457Cys]LLVEAVKQQA